The following is an entry in ClinVar:

NM_020778.4(ALPK3):c.-7G>A

Gene: ALPK3 (alpha kinase 3; plus strand). Cytogenetic location: 15q25.3.
Variant type: single nucleotide variant.
Coding change: c.-7G>A on transcript NM_020778.4; 7 bases upstream of the start codon, G replaced by A.
Genome position (GRCh38, 1-based): chr15:84,816,840, G>A. VCF-style: chr15-84816840-G-A. GRCh37 (hg19) VCF-style: chr15-85360071-G-A.
Identifiers: ClinVar variation 4988691 (VCV004988691.1).

ClinVar aggregate classification (germline): Likely benign (1 of 4 stars; one submission).

Conditions:
ALPK3-related disorder. Also called: ALPK3-related condition.

Submission:

PreventionGenetics, part of Exact Sciences
Classification: Likely benign for ALPK3-related condition. Last evaluated: 2026-06-19. Review status: criteria provided, single submitter. Criteria: ACMG Guidelines, 2015. Collection method: clinical testing. Allele origin: germline.
Comment: This variant is classified as likely benign based on ACMG/AMP sequence variant interpretation guidelines (Richards et al. 2015 PMID: 25741868, with internal and published modifications).